The following is an entry in ClinVar:

NM_172362.3(KCNH1):c.490G>A (p.Val164Ile)

Gene: KCNH1 (potassium voltage-gated channel subfamily H member 1; minus strand). Cytogenetic location: 1q32.2.
Variant type: single nucleotide variant.
Coding change: c.490G>A on transcript NM_172362.3 (MANE Select); coding-DNA position 490, G replaced by A.
Protein change: p.Val164Ile; replaces valine 164 with isoleucine.
Molecular consequence: missense variant.
Genome position (GRCh38, 1-based): chr1:211,082,848, C>T on the plus strand (G>A on the coding strand, the complement: KCNH1 is on the minus strand). VCF-style: chr1-211082848-C-T. GRCh37 (hg19) VCF-style: chr1-211256190-C-T.
Other names: c.490G>A, p.Val164Ile (NM_002238.4); short protein forms V164I.
Identifiers: ClinVar variation 1945024 (VCV001945024.5), dbSNP rs928961053, ClinGen allele CA344875074.

ClinVar aggregate classification (germline): Uncertain significance (1 of 4 stars; one submission).

Allele frequency attached by ClinVar (database versions not stated): gnomAD exomes below 0.00001.
gnomAD v4.1: 4 of 1,614,186 alleles (0.00025%); highest among the groups gnomAD compares: Non-Finnish European, 0.00034%; no homozygotes.

Submission:

Labcorp Genetics (formerly Invitae), Labcorp
Classification: Uncertain significance. Last evaluated: 2022-06-04. Review status: criteria provided, single submitter. Criteria: Invitae Variant Classification Sherloc (09022015). Collection method: clinical testing. Allele origin: germline.
Comment: This variant is not present in population databases (gnomAD no frequency). In summary, the available evidence is currently insufficient to determine the role of this variant in disease. Therefore, it has been classified as a Variant of Uncertain Significance. Algorithms developed to predict the effect of missense changes on protein structure and function (SIFT, PolyPhen-2, Align-GVGD) all suggest that this variant is likely to be tolerated. This variant has not been reported in the literature in individuals affected with KCNH1-related conditions. This sequence change replaces valine, which is neutral and non-polar, with isoleucine, which is neutral and non-polar, at codon 164 of the KCNH1 protein (p.Val164Ile).